The following is an entry in ClinVar:

NM_000044.6(AR):c.1370GCG[22] (p.Gly473_Glu474insGlyGlyGlyGlyGly)

Gene: AR (androgen receptor; plus strand). Cytogenetic location: Xq12.
Variant type: Microsatellite.
Coding change: c.1370GCG[22] on transcript NM_000044.6 (MANE Select); 22 copies in a row of the 3-base unit GCG starting at c.1370; the reference has 17 copies in a row; five copies, 15 bases duplicated.
Protein change: p.Gly473_Glu474insGlyGlyGlyGlyGly.
Molecular consequence: inframe insertion. On other transcripts: 5 prime UTR variant (1).
Genome position (GRCh38, 1-based): chrX:67,546,552-67,546,566, GCGGCGGCGGCGGCG duplicated; duplicating any 15 consecutive bases within chrX:67,546,515-67,546,566 gives the same sequence; the position shown is the placement nearest the transcript's 3' end. VCF-style (leftmost placement, unchanged base first): chrX-67546514-T-TGGCGGCGGCGGCGGC. GRCh37 (hg19) VCF-style: chrX-66766356-T-TGGCGGCGGCGGCGGC.
Other names: c.-414GCG[22] (NM_001011645.3); c.1370GCG[22], p.Gly473_Glu474insGlyGlyGlyGlyGly (NM_001348061.1, NM_001348063.1, NM_001348064.1).
Identifiers: ClinVar variation 4985006 (VCV004985006.1).

ClinVar aggregate classification (germline): Likely benign (1 of 4 stars; one submission).

Conditions:
AR-related disorder. Also called: AR-related condition.

Submission:

PreventionGenetics, part of Exact Sciences
Classification: Likely benign for AR-related condition. Last evaluated: 2026-01-11. Review status: criteria provided, single submitter. Criteria: ACMG Guidelines, 2015. Collection method: clinical testing. Allele origin: germline.
Comment: This variant is classified as likely benign based on ACMG/AMP sequence variant interpretation guidelines (Richards et al. 2015 PMID: 25741868, with internal and published modifications).